The following is an entry in ClinVar:

NM_000541.5(SAG):c.525A>G (p.Arg175=)

Gene: SAG (S-antigen visual arrestin; plus strand). Cytogenetic location: 2q37.1.
Variant type: single nucleotide variant.
Coding change: c.525A>G on transcript NM_000541.5 (MANE Select); coding-DNA position 525, A replaced by G.
Protein change: p.Arg175=; no amino-acid change (arginine 175 retained).
Molecular consequence: synonymous variant.
Genome position (GRCh38, 1-based): chr2:233,328,490, A>G. VCF-style: chr2-233328490-A-G. GRCh37 (hg19) VCF-style: chr2-234237136-A-G.
Identifiers: ClinVar variation 718731 (VCV000718731.16), dbSNP rs199839554, ClinGen allele CA2174431.

ClinVar aggregate classification (germline): Conflicting classifications of pathogenicity. Review status: criteria provided, conflicting classifications (1 of 4 stars). 4 submissions from 3 submitters: Uncertain significance (2); Benign (1). 1 of the submissions does not count toward it. Last evaluated 2026-01-26.

Conditions:
SAG-related disorder. Also called: SAG-related disorders; SAG-related condition.
Retinitis pigmentosa (RP). Identifiers: Orphanet 791, MedGen C0035334, MeSH D012174, MONDO:0019200, OMIM 268000. Inheritance: Autosomal dominant, autosomal recessive and X linked inheritance.
Oguchi disease. Also called: Oguchi's disease. Identifiers: Orphanet 75382, MedGen C1306122, MONDO:0019152.

Allele frequency attached by ClinVar (database versions not stated): 1000 Genomes Project 0.00060; 1000 Genomes Project 30x 0.00078; ESP Exome Variant Server 0.00089; TOPMed 0.00110; gnomAD 0.00274 and 0.00285.
gnomAD v4.1: 4,022 of 1,613,588 alleles (0.25%); highest among the groups gnomAD compares: Non-Finnish European, 0.22%; 18 homozygotes.

Submissions (4):

Labcorp Genetics (formerly Invitae), Labcorp
Classification: Benign. Last evaluated: 2026-01-26. Review status: criteria provided, single submitter. Criteria: Invitae Variant Classification Sherloc (09022015). Collection method: clinical testing. Allele origin: germline.

Illumina Laboratory Services, Illumina
Classification: Uncertain significance for Oguchi disease-1. Last evaluated: 2018-01-12. Review status: criteria provided, single submitter. Criteria: ICSL Variant Classification Criteria 13 December 2019. Collection method: clinical testing. Allele origin: germline.

Illumina Laboratory Services, Illumina
Classification: Uncertain significance for Retinitis pigmentosa. Last evaluated: 2018-01-12. Review status: criteria provided, single submitter. Criteria: ICSL Variant Classification Criteria 13 December 2019. Collection method: clinical testing. Allele origin: germline.

PreventionGenetics, part of Exact Sciences
Classification: Benign for SAG-related condition. Last evaluated: 2019-07-23. Review status: no assertion criteria provided. Collection method: clinical testing. Allele origin: germline. Not counted in ClinVar's aggregate classification.
Comment: This variant is classified as benign based on ACMG/AMP sequence variant interpretation guidelines (Richards et al. 2015 PMID: 25741868, with internal and published modifications).